The following is an entry in ClinVar:

NM_001142864.4(PIEZO1):c.541A>G (p.Arg181Gly)

Genes: HSALR1 (HSP90AB1 associated lncRNA 1; plus strand), PIEZO1 (piezo type mechanosensitive ion channel component 1 (Er blood group); minus strand). Cytogenetic location: 16q24.3.
Variant type: single nucleotide variant.
Coding change: c.541A>G on transcript NM_001142864.4 (MANE Select); coding-DNA position 541, A replaced by G.
Protein change: p.Arg181Gly; replaces arginine 181 with glycine.
Molecular consequence: missense variant. On other transcripts: non-coding transcript variant (1).
Genome position (GRCh38, 1-based): chr16:88,738,661, T>C on the plus strand (A>G on the coding strand, the complement: PIEZO1 is on the minus strand). VCF-style: chr16-88738661-T-C. GRCh37 (hg19) VCF-style: chr16-88805069-T-C.
Other names: short protein forms R181G.
Identifiers: ClinVar variation 4743161 (VCV004743161.1).

ClinVar aggregate classification (germline): Uncertain significance (1 of 4 stars; one submission).

Submission:

Labcorp Genetics (formerly Invitae), Labcorp
Classification: Uncertain significance. Last evaluated: 2025-10-09. Review status: criteria provided, single submitter. Criteria: Invitae Variant Classification Sherloc (09022015). Collection method: clinical testing. Allele origin: germline.
Comment: This sequence change replaces arginine, which is basic and polar, with glycine, which is neutral and non-polar, at codon 181 of the PIEZO1 protein (p.Arg181Gly). This variant is not present in population databases (gnomAD no frequency). This variant has not been reported in the literature in individuals affected with PIEZO1-related conditions. Invitae Evidence Modeling of protein sequence and biophysical properties (such as structural, functional, and spatial information, amino acid conservation, physicochemical variation, residue mobility, and thermodynamic stability) indicates that this missense variant is not expected to disrupt PIEZO1 protein function with a negative predictive value of 80%. In summary, the available evidence is currently insufficient to determine the role of this variant in disease. Therefore, it has been classified as a Variant of Uncertain Significance.